The following is an entry in ClinVar:

NM_198239.2(CCN6):c.726dup (p.Glu243fs)

Gene: CCN6 (cellular communication network factor 6; plus strand). Cytogenetic location: 6q21.
Variant type: Duplication.
Coding change: c.726dup on transcript NM_198239.2 (MANE Select); coding-DNA position 726, one base duplicated (A; older notation c.726dupA).
Protein change: p.Glu243fs; shifts the reading frame from glutamic acid 243.
Molecular consequence: frameshift variant. On other transcripts: non-coding transcript variant (2).
Genome position (GRCh38, 1-based): chr6:112,068,341, A duplicated; the last of 4 consecutive A bases (chr6:112,068,338-112,068,341); duplicating any one gives the same sequence. VCF-style (leftmost placement, unchanged base first): chr6-112068337-G-GA. GRCh37 (hg19) VCF-style: chr6-112389540-G-GA.
Other names: c.726dup, p.Glu243fs (NM_003880.4); short protein forms E243fs.
Identifiers: ClinVar variation 3644487 (VCV003644487.2).
Genomic context (GRCh38, chr6:112,068,337, plus strand): 5'-GAACATGTGGGATGGGAATATCTAACAGGGTGACCAATGAAAACAGCAACTGTGAAATGA[G>GA]AAAAGAGAAAAGACTGTGTTACATTCAGCCTTGCGACAGCAATATATTAAAGACAATAAA-3'

ClinVar aggregate classification (germline): Pathogenic (1 of 4 stars; one submission).

Submission:

Labcorp Genetics (formerly Invitae), Labcorp
Classification: Pathogenic. Last evaluated: 2024-03-04. Review status: criteria provided, single submitter. Criteria: Invitae Variant Classification Sherloc (09022015). Collection method: clinical testing. Allele origin: germline.
Comment: This sequence change creates a premature translational stop signal (p.Glu243Argfs*36) in the WISP3 gene. While this is not anticipated to result in nonsense mediated decay, it is expected to disrupt the last 112 amino acid(s) of the WISP3 protein. This variant is not present in population databases (gnomAD no frequency). This variant has not been reported in the literature in individuals affected with WISP3-related conditions. This variant disrupts a region of the WISP3 protein in which other variant(s) (p.Cys337Tyr) have been determined to be pathogenic (PMID: 22791401, 22987568, 25988854). This suggests that this is a clinically significant region of the protein, and that variants that disrupt it are likely to be disease-causing. For these reasons, this variant has been classified as Pathogenic.

Literature cited by the submitters: PubMed 22791401; PubMed 22987568; PubMed 25988854.